The following is an entry in ClinVar:

NM_004655.4(AXIN2):c.559T>C (p.Tyr187His)

Gene: AXIN2 (axin 2; minus strand). Cytogenetic location: 17q24.1.
Variant type: single nucleotide variant.
Coding change: c.559T>C on transcript NM_004655.4 (MANE Select); coding-DNA position 559, T replaced by C.
Protein change: p.Tyr187His; replaces tyrosine 187 with histidine.
Molecular consequence: missense variant.
Genome position (GRCh38, 1-based): chr17:65,558,062, A>G on the plus strand (T>C on the coding strand, the complement: AXIN2 is on the minus strand). VCF-style: chr17-65558062-A-G. GRCh37 (hg19) VCF-style: chr17-63554180-A-G.
Other names: c.559T>C, p.Tyr187His (NM_001363813.1); short protein forms Y187H.
Identifiers: ClinVar variation 5032513 (VCV005032513.1).

ClinVar aggregate classification (germline): Uncertain significance (1 of 4 stars; one submission).

Conditions:
Hereditary cancer-predisposing syndrome. Also called: Neoplastic Syndromes, Hereditary; Tumor predisposition; Hereditary neoplastic syndrome; Hereditary Cancer Syndrome. Identifiers: Orphanet 140162, MedGen C0027672, MeSH D009386, MONDO:0015356.

gnomAD v4.1: 1 of 1,614,148 alleles (0.000062%); no homozygotes.

Submission:

Ambry Genetics
Classification: Uncertain significance for Hereditary cancer-predisposing syndrome. Last evaluated: 2026-07-06. Review status: criteria provided, single submitter. Criteria: Ambry Variant Classification Scheme 2023. Collection method: clinical testing. Allele origin: germline.
Comment: The p.Y187H variant (also known as c.559T>C), located in coding exon 1 of the AXIN2 gene, results from a T to C substitution at nucleotide position 559. The tyrosine at codon 187 is replaced by histidine, an amino acid with similar properties. This amino acid position is conserved. In addition, the in silico prediction for this alteration is inconclusive. Based on the available evidence, the clinical significance of this variant remains unclear.